The following is an entry in ClinVar:

NM_001267550.2(TTN):c.62301A>C (p.Gln20767His)

Genes: TTN (titin; minus strand), TTN-AS1 (TTN antisense RNA 1; plus strand). Cytogenetic location: 2q31.2.
Variant type: single nucleotide variant.
Coding change: c.62301A>C on transcript NM_001267550.2 (MANE Select); coding-DNA position 62301, A replaced by C.
Protein change: p.Gln20767His; replaces glutamine 20767 with histidine.
Molecular consequence: missense variant.
Genome position (GRCh38, 1-based): chr2:178,589,424, T>G on the plus strand (A>C on the coding strand, the complement: TTN is on the minus strand). VCF-style: chr2-178589424-T-G. GRCh37 (hg19) VCF-style: chr2-179454151-T-G.
Other names: c.57378A>C, p.Gln19126His (NM_001256850.1); c.35106A>C, p.Gln11702His (NM_003319.4); c.54597A>C, p.Gln18199His (NM_133378.4); c.35481A>C, p.Gln11827His (NM_133432.3); c.35682A>C, p.Gln11894His (NM_133437.4); short protein forms Q11894H, Q18199H, Q19126H, Q20767H, Q11827H, Q11702H.
Identifiers: ClinVar variation 1732156 (VCV001732156.2), dbSNP rs1247031472, ClinGen allele CA349465242.

ClinVar aggregate classification (germline): Uncertain significance (1 of 4 stars; one submission).

Conditions:
Cardiovascular phenotype. Identifiers: MedGen CN230736.

gnomAD v4.1: 1 of 1,613,466 alleles (0.000062%); highest among the groups gnomAD compares: Non-Finnish European, 0.000085%; no homozygotes.

Submission:

Ambry Genetics
Classification: Uncertain significance for Cardiovascular phenotype. Last evaluated: 2020-02-27. Review status: criteria provided, single submitter. Criteria: Ambry Variant Classification Scheme 2023. Collection method: clinical testing. Allele origin: germline.
Comment: The p.Q11702H variant (also known as c.35106A>C), located in coding exon 131 of the TTN gene, results from an A to C substitution at nucleotide position 35106. The glutamine at codon 11702 is replaced by histidine, an amino acid with highly similar properties. This amino acid position is well conserved in available vertebrate species. In addition, this alteration is predicted to be tolerated by in silico analysis. Since supporting evidence is limited at this time, the clinical significance of this alteration remains unclear.